The following is an entry in ClinVar:

ClinVar aggregate classification (germline): Likely benign (1 of 4 stars; one submission).

Conditions:
Developmental and epileptic encephalopathy 94 (DEE94). Also called: CHD2-Related Neurodevelopmental Disorders; Epileptic encephalopathy, childhood-onset. Identifiers: Orphanet 1942, Orphanet 2382, MedGen C3809278, MONDO:0014150, OMIM 615369.

Submission:

Centre for Medical Genetics,  Mumbai
Classification: Likely benign for Developmental and epileptic encephalopathy 94. Last evaluated: 2025-12-01. Review status: criteria provided, single submitter. Criteria: ACMG Guidelines, 2015. Collection method: provider interpretation. Allele origin: germline. Inheritance: Autosomal dominant inheritance. Affected: no. Observed: 1 heterozygote.
Comment: The variant satisfies PM2 criteria: absent in gnomAD, PP2 criteria: Missense variant in a gene with low rate of benign missense mutations and for which missense mutation is a common mechanism of a disease.

Literature cited by the submitters: PubMed 24207121.

NM_001271.4(CHD2):c.4993T>C (p.Tyr1665His)

Gene: CHD2 (chromodomain helicase DNA binding protein 2; plus strand). Cytogenetic location: 15q26.1.
Variant type: single nucleotide variant.
Coding change: c.4993T>C on transcript NM_001271.4 (MANE Select); coding-DNA position 4993, T replaced by C.
Protein change: p.Tyr1665His; replaces tyrosine 1665 with histidine.
Molecular consequence: missense variant.
Genome position (GRCh38, 1-based): chr15:93,020,098, T>C. VCF-style: chr15-93020098-T-C. GRCh37 (hg19) VCF-style: chr15-93563328-T-C.
Other names: short protein forms Y1665H.
Identifiers: ClinVar variation 4685522 (VCV004685522.1).